The following is an entry in ClinVar:

NM_000342.4(SLC4A1):c.2464del (p.Val822fs)

Gene: SLC4A1 (solute carrier family 4 member 1 (Diego blood group); minus strand). Cytogenetic location: 17q21.31.
Variant type: Deletion.
Coding change: c.2464del on transcript NM_000342.4 (MANE Select); coding-DNA position 2464, one base deleted (G; older notation c.2464delG).
Protein change: p.Val822fs; shifts the reading frame from valine 822.
Molecular consequence: frameshift variant.
Genome position (GRCh38, 1-based): chr17:44,251,436, C deleted on the plus strand (G on the coding strand, the reverse complement: SLC4A1 is on the minus strand). VCF-style (leftmost placement, unchanged base first): chr17-44251435-AC-A. GRCh37 (hg19) VCF-style: chr17-42328803-AC-A.
Other names: short protein forms V822fs.
Identifiers: ClinVar variation 1705332 (VCV001705332.1), dbSNP rs2509958707, ClinGen allele CA2580093849.

ClinVar aggregate classification (germline): Likely pathogenic (1 of 4 stars; one submission).

Conditions:
Hereditary spherocytosis type 4. Also called: SLC4A1-Related Spherocytosis. Identifiers: Orphanet 822, MedGen C2675212, MONDO:0012981, OMIM 612653.

Submission:

3billion
Classification: Likely pathogenic for Hereditary spherocytosis type 4. Last evaluated: 2022-09-01. Review status: criteria provided, single submitter. Criteria: ACMG Guidelines, 2015. Collection method: clinical testing. Allele origin: germline. Affected: yes. Observed: 1 heterozygote.
Comment: The variant is not observed in the gnomAD v2.1.1 dataset. Frameshift variant is predicted to result in a loss or disruption of normal protein function through nonsense-mediated decay (NMD) or protein truncation. Multiple pathogenic variants are reported downstream of the variant. Therefore, this variant is classified as Likely pathogenic according to the recommendation of ACMG/AMP guideline.